The following is an entry in ClinVar:

ClinVar aggregate classification (germline): Uncertain significance. Review status: criteria provided, multiple submitters, no conflicts (2 of 4 stars). 2 submissions from 2 submitters: Uncertain significance (2). Last evaluated 2025-02-14.

Conditions:
Inborn genetic diseases. Identifiers: MedGen C0950123, MeSH D030342.
DNA ligase IV deficiency. Identifiers: Orphanet 99812, MedGen C1847827, MONDO:0011686, OMIM 606593.

Allele frequency attached by ClinVar (database versions not stated): gnomAD 0.00001; gnomAD exomes 0.00001; ExAC 0.00002.
gnomAD v4.1: 10 of 1,613,136 alleles (0.00062%); highest among the groups gnomAD compares: African/African-American, 0.0027%; no homozygotes.

Submissions (2):

Ambry Genetics
Classification: Uncertain significance for Inborn genetic diseases. Last evaluated: 2025-02-14. Review status: criteria provided, single submitter. Criteria: Ambry Variant Classification Scheme 2023. Collection method: clinical testing. Allele origin: germline.

Labcorp Genetics (formerly Invitae), Labcorp
Classification: Uncertain significance for DNA ligase IV deficiency. Last evaluated: 2022-08-19. Review status: criteria provided, single submitter. Criteria: Invitae Variant Classification Sherloc (09022015). Collection method: clinical testing. Allele origin: germline.
Comment: This sequence change replaces arginine, which is basic and polar, with glutamine, which is neutral and polar, at codon 25 of the LIG4 protein (p.Arg25Gln). This variant is present in population databases (rs764191604, gnomAD 0.004%). This variant has not been reported in the literature in individuals affected with LIG4-related conditions. Algorithms developed to predict the effect of missense changes on protein structure and function are either unavailable or do not agree on the potential impact of this missense change (SIFT: "Deleterious"; PolyPhen-2: "Benign"; Align-GVGD: "Class C0"). In summary, the available evidence is currently insufficient to determine the role of this variant in disease. Therefore, it has been classified as a Variant of Uncertain Significance.

NM_206937.2(LIG4):c.74G>A (p.Arg25Gln)

Gene: LIG4 (DNA ligase 4; minus strand). Cytogenetic location: 13q33.3.
Variant type: single nucleotide variant.
Coding change: c.74G>A on transcript NM_206937.2 (MANE Select); coding-DNA position 74, G replaced by A.
Protein change: p.Arg25Gln; replaces arginine 25 with glutamine.
Molecular consequence: missense variant. On other transcripts: 5 prime UTR variant (1).
Genome position (GRCh38, 1-based): chr13:108,211,195, C>T on the plus strand (G>A on the coding strand, the complement: LIG4 is on the minus strand). VCF-style: chr13-108211195-C-T. GRCh37 (hg19) VCF-style: chr13-108863543-C-T.
Other names: c.74G>A, p.Arg25Gln (NM_001098268.2, NM_001352598.2, NM_001352599.2 and 6 more transcripts); c.-128G>A (NM_001330595.2); c.110G>A, p.Arg37Gln (NM_001352604.2); short protein forms R25Q, R37Q.
Identifiers: ClinVar variation 2158646 (VCV002158646.2), dbSNP rs764191604, ClinGen allele CA7043896.
Genomic context (GRCh38, chr13:108,211,195, plus strand): 5'-GAATCTAAAAATTCCCTGAAGTGTCTGATTTTTTCTGCACGTCCTTTACTTTTCTGTATT[C>T]GTTCTAAAGTTGAACACAAATCTGCAAAAGGAACGTGAGATGCAACAGTTTGTGAAGTTT-3'
Protein context (NP_996820.1, residues 15-35): PFADLCSTLE[Arg25Gln]IQKSKGRAEK